The following is an entry in ClinVar:

NM_003738.5(PTCH2):c.545C>T (p.Pro182Leu)

Gene: PTCH2 (patched 2; minus strand). Cytogenetic location: 1p34.1.
Variant type: single nucleotide variant.
Coding change: c.545C>T on transcript NM_003738.5 (MANE Select); coding-DNA position 545, C replaced by T.
Protein change: p.Pro182Leu; replaces proline 182 with leucine.
Molecular consequence: missense variant.
Genome position (GRCh38, 1-based): chr1:44,831,778, G>A on the plus strand (C>T on the coding strand, the complement: PTCH2 is on the minus strand). VCF-style: chr1-44831778-G-A. GRCh37 (hg19) VCF-style: chr1-45297450-G-A.
Other names: c.545C>T, p.Pro182Leu (NM_001166292.2); short protein forms P182L.
Identifiers: ClinVar variation 453942 (VCV000453942.9), dbSNP rs773912063, ClinGen allele CA823585.

ClinVar aggregate classification (germline): Uncertain significance (1 of 4 stars; one submission).

Conditions:
Gorlin syndrome. Also called: Basal cell nevus syndrome; Nevoid Basal Cell Carcinoma Syndrome. Identifiers: Orphanet 377, MedGen C0004779, MONDO:0007187.

Allele frequency attached by ClinVar (database versions not stated): gnomAD exomes below 0.00001; ExAC 0.00002; gnomAD 0.00002; TOPMed 0.00002.
gnomAD v4.1: 11 of 1,600,486 alleles (0.00069%); highest among the groups gnomAD compares: African/African-American, 0.0094%; no homozygotes.

Submission:

Labcorp Genetics (formerly Invitae), Labcorp
Classification: Uncertain significance for Gorlin syndrome. Last evaluated: 2017-07-25. Review status: criteria provided, single submitter. Criteria: Invitae Variant Classification Sherloc (09022015). Collection method: clinical testing. Allele origin: germline.
Comment: In summary, the available evidence is currently insufficient to determine the role of this variant in disease. Therefore, it has been classified as a Variant of Uncertain Significance. Algorithms developed to predict the effect of missense changes on protein structure and function do not agree on the potential impact of this missense change (SIFT: "Deleterious"; PolyPhen-2: "Probably Damaging"; Align-GVGD: "Class C0"). This variant has not been reported in the literature in individuals with PTCH2-related disease. This variant is present in population databases (rs773912063, ExAC 0.02%). This sequence change replaces proline with leucine at codon 182 of the PTCH2 protein (p.Pro182Leu). The proline residue is highly conserved and there is a moderate physicochemical difference between proline and leucine.